The following is an entry in ClinVar:

NM_203447.4(DOCK8):c.3881G>A (p.Arg1294His)

Gene: DOCK8 (dedicator of cytokinesis 8; plus strand). Cytogenetic location: 9p24.3.
Variant type: single nucleotide variant.
Coding change: c.3881G>A on transcript NM_203447.4 (MANE Select); coding-DNA position 3881, G replaced by A.
Protein change: p.Arg1294His; replaces arginine 1294 with histidine.
Molecular consequence: missense variant.
Genome position (GRCh38, 1-based): chr9:420,441, G>A. VCF-style: chr9-420441-G-A. GRCh37 (hg19) VCF-style: chr9-420441-G-A.
Other names: c.3881G>A (NM_203447.3); c.3581G>A, p.Arg1194His (NM_001190458.2); c.3677G>A, p.Arg1226His (NM_001193536.2); short protein forms R1194H, R1226H, R1294H.
Identifiers: ClinVar variation 1009929 (VCV001009929.11), dbSNP rs759725406, ClinGen allele CA4958867.
Genomic context (GRCh38, chr9:420,441, plus strand): 5'-CCCAATCTGCCTCCCTTCAGCCCTATAAGCAGTACAACATGCTGAACGCGGACACTACTC[G>A]CAACCTCATGATCTGCTTCCTCTGGATCATGAAAAATGCTGATCAGAGCCTCATTAGGAA-3'
Protein context (NP_982272.2, residues 1284-1304): QYNMLNADTT[Arg1294His]NLMICFLWIM

ClinVar aggregate classification (germline): Uncertain significance. Review status: criteria provided, multiple submitters, no conflicts (2 of 4 stars). 3 submissions from 3 submitters: Uncertain significance (3). Last evaluated 2024-03-22.

Conditions:
Combined immunodeficiency due to DOCK8 deficiency (HIES2). Also called: HYPER-IgE SYNDROME 2, AUTOSOMAL RECESSIVE, WITH RECURRENT INFECTIONS; HYPER-IgE RECURRENT INFECTION SYNDROME 2, AUTOSOMAL RECESSIVE; DOCK8 Deficiency; HIES autosomal recessive; Hyper-IgE recurrent infection syndrome, autosomal recessive. Identifiers: Orphanet 217390, MedGen C4722305, MONDO:0009478, OMIM 243700.
Inborn genetic diseases. Identifiers: MedGen C0950123, MeSH D030342.

Allele frequency attached by ClinVar (database versions not stated): ExAC 0.00002; gnomAD exomes 0.00002; TOPMed 0.00002.
gnomAD v4.1: 8 of 1,614,040 alleles (0.0005%); highest among the groups gnomAD compares: South Asian, 0.0022%; no homozygotes.

Submissions (3):

Blueprint Genetics
Classification: Uncertain significance. Last evaluated: 2024-03-22. Review status: criteria provided, single submitter. Criteria: ACMG Guidelines, 2015. Collection method: clinical testing. Allele origin: germline.

Ambry Genetics
Classification: Uncertain significance for Inborn genetic diseases. Last evaluated: 2022-11-23. Review status: criteria provided, single submitter. Criteria: Ambry Variant Classification Scheme 2023. Collection method: clinical testing. Allele origin: germline.

Labcorp Genetics (formerly Invitae), Labcorp
Classification: Uncertain significance for Combined immunodeficiency due to DOCK8 deficiency. Last evaluated: 2021-06-13. Review status: criteria provided, single submitter. Criteria: Invitae Variant Classification Sherloc (09022015). Collection method: clinical testing. Allele origin: germline.
Comment: This sequence change replaces arginine with histidine at codon 1294 of the DOCK8 protein (p.Arg1294His). The arginine residue is highly conserved and there is a small physicochemical difference between arginine and histidine. This variant is present in population databases (rs759725406, ExAC 0.006%). This variant has not been reported in the literature in individuals with DOCK8-related conditions. Algorithms developed to predict the effect of missense changes on protein structure and function are either unavailable or do not agree on the potential impact of this missense change (SIFT: "Deleterious"; PolyPhen-2: "Probably Damaging"; Align-GVGD: "Class C0"). In summary, the available evidence is currently insufficient to determine the role of this variant in disease. Therefore, it has been classified as a Variant of Uncertain Significance.